The following is an entry in ClinVar:

ClinVar aggregate classification (germline): Conflicting classifications of pathogenicity. Review status: criteria provided, conflicting classifications (1 of 4 stars). 7 submissions from 5 submitters: Uncertain significance (4); Likely benign (2). 1 of the submissions does not count toward it. Last evaluated 2023-02-08.

Conditions:
Familial Mediterranean fever, autosomal dominant. Also called: Dominant Familial Mediterranean Fever; FMF, AUTOSOMAL DOMINANT. Identifiers: Orphanet 342, MedGen C1851347, MONDO:0007601, OMIM 134610.
Familial Mediterranean fever (FMF). Also called: POLYSEROSITIS, FAMILIAL PAROXYSMAL; POLYSEROSITIS, RECURRENT; Periodic peritonitis; Benign paroxysmal peritonitis. Identifiers: Orphanet 342, MedGen C0031069, MONDO:0018088, OMIM 249100. Disease mechanism: gain of function.
Acute febrile neutrophilic dermatosis (AFND). Also called: Sweet Syndrome; Gomm Button disease. Identifiers: Orphanet 3243, MedGen C0085077, MONDO:0011959, OMIM 608068.
Autoinflammatory syndrome. Identifiers: Orphanet 93665, MedGen C3890737, MONDO:0019751.

Allele frequency attached by ClinVar (database versions not stated): TOPMed 0.00003; gnomAD exomes 0.00008; ExAC 0.00005; gnomAD 0.00002.
gnomAD v4.1: 33 of 1,613,934 alleles (0.002%); highest among the groups gnomAD compares: Admixed American, 0.038%; no homozygotes.

Submissions (7):

Genome-Nilou Lab
Classification: Uncertain significance for Familial Mediterranean fever. Last evaluated: 2023-02-08. Review status: criteria provided, single submitter. Criteria: ACMG Guidelines, 2015. Collection method: clinical testing. Allele origin: germline.

Genome-Nilou Lab
Classification: Likely benign for Familial Mediterranean fever, autosomal dominant. Last evaluated: 2023-02-08. Review status: criteria provided, single submitter. Criteria: ACMG Guidelines, 2015. Collection method: clinical testing. Allele origin: germline.

Genome-Nilou Lab
Classification: Likely benign for Acute febrile neutrophilic dermatosis. Last evaluated: 2023-02-08. Review status: criteria provided, single submitter. Criteria: ACMG Guidelines, 2015. Collection method: clinical testing. Allele origin: germline.

Labcorp Genetics (formerly Invitae), Labcorp
Classification: Uncertain significance for Familial Mediterranean fever. Last evaluated: 2022-08-22. Review status: criteria provided, single submitter. Criteria: Invitae Variant Classification Sherloc (09022015). Collection method: clinical testing. Allele origin: germline.
Comment: This sequence change replaces arginine, which is basic and polar, with cysteine, which is neutral and slightly polar, at codon 579 of the MEFV protein (p.Arg579Cys). This variant is present in population databases (rs762605919, gnomAD 0.06%). This variant has not been reported in the literature in individuals affected with MEFV-related conditions. ClinVar contains an entry for this variant (Variation ID: 641743). Algorithms developed to predict the effect of missense changes on protein structure and function (SIFT, PolyPhen-2, Align-GVGD) all suggest that this variant is likely to be tolerated. In summary, the available evidence is currently insufficient to determine the role of this variant in disease. Therefore, it has been classified as a Variant of Uncertain Significance.

Genome Diagnostics Laboratory, The Hospital for Sick Children
Classification: Uncertain significance for Autoinflammatory syndrome. Last evaluated: 2021-01-13. Review status: criteria provided, single submitter. Criteria: ACMG Guidelines, 2015. Collection method: clinical testing. Allele origin: germline. Affected: yes.

GeneDx
Classification: Uncertain significance. Last evaluated: 2019-07-19. Review status: criteria provided, single submitter. Criteria: GeneDx Variant Classification Process June 2021. Collection method: clinical testing. Allele origin: germline. Affected: yes.
Comment: In silico analysis, which includes protein predictors and evolutionary conservation, supports a deleterious effect; Has not been previously published as pathogenic or benign to our knowledge

Natera, Inc.
Classification: Uncertain significance for Familial Mediterranean fever. Last evaluated: 2020-02-26. Review status: no assertion criteria provided. Collection method: clinical testing. Allele origin: germline. Not counted in ClinVar's aggregate classification.

NM_000243.3(MEFV):c.1735C>T (p.Arg579Cys)

Genes: MEFV (MEFV innate immunity regulator, pyrin; minus strand), LOC126862264 (CDK7 strongly-dependent group 2 enhancer GRCh37_chr16:3293322-3294521; plus strand). Cytogenetic location: 16p13.3.
Variant type: single nucleotide variant.
Coding change: c.1735C>T on transcript NM_000243.3 (MANE Select); coding-DNA position 1735, C replaced by T.
Protein change: p.Arg579Cys; replaces arginine 579 with cysteine.
Molecular consequence: missense variant.
Genome position (GRCh38, 1-based): chr16:3,244,278, G>A on the plus strand (C>T on the coding strand, the complement: MEFV is on the minus strand). VCF-style: chr16-3244278-G-A. GRCh37 (hg19) VCF-style: chr16-3294278-G-A.
Other names: c.1102C>T, p.Arg368Cys (NM_001198536.2); short protein forms R579C, R368C.
Identifiers: ClinVar variation 641743 (VCV000641743.16), dbSNP rs762605919, ClinGen allele CA7860009.